The following is an entry in ClinVar:

NM_000535.7(PMS2):c.174T>C (p.Leu58=)

Gene: PMS2 (PMS1 homolog 2, mismatch repair system component; minus strand). Cytogenetic location: 7p22.1.
Variant type: single nucleotide variant.
Coding change: c.174T>C on transcript NM_000535.7 (MANE Select); coding-DNA position 174, T replaced by C.
Protein change: p.Leu58=; no amino-acid change (leucine 58 retained).
Molecular consequence: synonymous variant. On other transcripts: 5 prime UTR variant (44), non-coding transcript variant (1), intron variant (1).
Genome position (GRCh38, 1-based): chr7:6,004,048, A>G on the plus strand (T>C on the coding strand, the complement: PMS2 is on the minus strand). VCF-style: chr7-6004048-A-G. GRCh37 (hg19) VCF-style: chr7-6043679-A-G.
Other names: c.174T>C, p.Leu58= (NM_001406872.1, NM_001322006.2, NM_001322014.2 and 10 more transcripts); c.-232T>C (NM_001018040.1, NM_001322003.2, NM_001322004.2 and 14 more transcripts); c.-42T>C (NM_001322007.2, NM_001322008.2, NM_001406876.1 and 4 more transcripts); c.-711T>C (NM_001322011.2, NM_001322012.2); c.-311T>C (NM_001322015.2, NM_001406875.1, NM_001406877.1 and 3 more transcripts); c.360T>C, p.Leu120= (NM_001406866.1); c.-258T>C (NM_001406880.1); c.-208T>C (NM_001406881.1, NM_001406900.1); and 3 more.
Identifiers: ClinVar variation 3231985 (VCV003231985.2), dbSNP rs2128830644, ClinGen allele CA453648728.

ClinVar aggregate classification (germline): Benign/Likely benign. Review status: criteria provided, multiple submitters, no conflicts (2 of 4 stars). 2 submissions from 2 submitters: Benign (1); Likely benign (1). Last evaluated 2025-01-23.

Conditions:
Hereditary cancer-predisposing syndrome. Also called: Neoplastic Syndromes, Hereditary; Tumor predisposition; Hereditary neoplastic syndrome; Hereditary Cancer Syndrome. Identifiers: Orphanet 140162, MedGen C0027672, MeSH D009386, MONDO:0015356.
Lynch syndrome 4 (LYNCH4). Also called: Colorectal cancer, hereditary nonpolyposis, type 4; Hereditary non-polyposis colorectal cancer, type 4. Identifiers: Orphanet 144, MedGen C1838333, MONDO:0013699, OMIM 614337. Disease mechanism: loss of function.

Submissions (2):

Myriad Genetics, Inc.
Classification: Benign for Lynch syndrome 4. Last evaluated: 2025-01-23. Review status: criteria provided, single submitter. Criteria: Myriad Autosomal Dominant, Autosomal Recessive and X-Linked Classification Criteria (2023). Collection method: clinical testing. Allele origin: unknown.
Comment: This variant is considered benign. This variant is a silent/synonymous amino acid change and it is not expected to impact splicing.

Ambry Genetics
Classification: Likely benign for Hereditary cancer-predisposing syndrome. Last evaluated: 2023-12-14. Review status: criteria provided, single submitter. Criteria: Ambry Variant Classification Scheme 2023. Collection method: clinical testing. Allele origin: germline.